The following is an entry in ClinVar:

NM_014159.7(SETD2):c.5647A>G (p.Ile1883Val)

Gene: SETD2 (SET domain containing 2, histone lysine methyltransferase; minus strand). Cytogenetic location: 3p21.31.
Variant type: single nucleotide variant.
Coding change: c.5647A>G on transcript NM_014159.7 (MANE Select); coding-DNA position 5647, A replaced by G.
Protein change: p.Ile1883Val; replaces isoleucine 1883 with valine.
Molecular consequence: missense variant. On other transcripts: non-coding transcript variant (1).
Genome position (GRCh38, 1-based): chr3:47,084,133, T>C on the plus strand (A>G on the coding strand, the complement: SETD2 is on the minus strand). VCF-style: chr3-47084133-T-C. GRCh37 (hg19) VCF-style: chr3-47125623-T-C.
Other names: c.5515A>G, p.Ile1839Val (NM_001349370.3); short protein forms I1839V, I1883V.
Identifiers: ClinVar variation 3774901 (VCV003774901.2).

ClinVar aggregate classification (germline): Uncertain significance (1 of 4 stars; one submission).

gnomAD v4.1: 1 of 1,614,184 alleles (0.000062%); highest among the groups gnomAD compares: East Asian, 0.0022%; no homozygotes.

Submission:

GeneDx
Classification: Uncertain significance. Last evaluated: 2026-07-24. Review status: criteria provided, single submitter. Criteria: GeneDx Variant Classification Process June 2021. Collection method: clinical testing. Allele origin: germline.
Comment: Not observed at significant frequency in large population cohorts (gnomAD); In silico analysis indicates that this missense variant does not alter protein structure/function; Has not been previously published as pathogenic or benign to our knowledge